The following is an entry in ClinVar:

NM_001395002.1(MAP4K4):c.3763C>T (p.Pro1255Ser)

Gene: MAP4K4 (mitogen-activated protein kinase kinase kinase kinase 4; plus strand). Cytogenetic location: 2q11.2.
Variant type: single nucleotide variant.
Coding change: c.3763C>T on transcript NM_001395002.1 (MANE Select); coding-DNA position 3763, C replaced by T.
Protein change: p.Pro1255Ser; replaces proline 1255 with serine.
Molecular consequence: missense variant. On other transcripts: non-coding transcript variant (4).
Genome position (GRCh38, 1-based): chr2:101,887,229, C>T. VCF-style: chr2-101887229-C-T. GRCh37 (hg19) VCF-style: chr2-102503691-C-T.
Other names: c.3328C>T, p.Pro1110Ser (NM_001242559.2); c.3316C>T, p.Pro1106Ser (NM_001242560.2); c.3406C>T, p.Pro1136Ser (NM_001384476.1); c.3595C>T, p.Pro1199Ser (NM_001384477.1); c.3085C>T, p.Pro1029Ser (NM_001384478.1); c.3523C>T, p.Pro1175Ser (NM_001384481.1); c.3076C>T, p.Pro1026Ser (NM_001384482.1); c.3358C>T, p.Pro1120Ser (NM_001384483.1); and 39 more; short protein forms P1020S, P1026S, P1028S, P1029S, P1048S, P1059S, P1060S, P1071S.
Identifiers: ClinVar variation 3365323 (VCV003365323.1).
Genomic context (GRCh38, chr2:101,887,229, plus strand): 5'-TCCTGTGCTGGATTCCATGCTGTTGATGTGGATTCAGGATCAGTCTATGACATTTATCTA[C>T]CAACACATGTAAGAAAGAACCCACACTCTATGGTTGGTTGACTGGCTTCATTTTGTTTTG-3'
Protein context (NP_001381931.1, residues 1245-1265): DSGSVYDIYL[Pro1255Ser]THIQCSIKPH

ClinVar aggregate classification (germline): Uncertain significance (1 of 4 stars; one submission).

Submission:

GeneDx
Classification: Uncertain significance. Last evaluated: 2023-12-02. Review status: criteria provided, single submitter. Criteria: GeneDx Variant Classification Process June 2021. Collection method: clinical testing. Allele origin: germline. Affected: yes.
Comment: Not observed at significant frequency in large population cohorts (gnomAD); In silico analysis supports that this missense variant has a deleterious effect on protein structure/function; Has not been previously published as pathogenic or benign to our knowledge